The following is an entry in ClinVar:

NM_000553.6(WRN):c.4011G>C (p.Met1337Ile)

Gene: WRN (WRN RecQ like helicase; plus strand). Cytogenetic location: 8p12.
Variant type: single nucleotide variant.
Coding change: c.4011G>C on transcript NM_000553.6 (MANE Select); coding-DNA position 4011, G replaced by C.
Protein change: p.Met1337Ile; replaces methionine 1337 with isoleucine.
Molecular consequence: missense variant.
Genome position (GRCh38, 1-based): chr8:31,167,050, G>C. VCF-style: chr8-31167050-G-C. GRCh37 (hg19) VCF-style: chr8-31024566-G-C.
Other names: short protein forms M1337I.
Identifiers: ClinVar variation 952368 (VCV000952368.5), dbSNP rs544317387, ClinGen allele CA370908633.

ClinVar aggregate classification (germline): Uncertain significance (1 of 4 stars; one submission).

Conditions:
Werner syndrome (WRN). Identifiers: Orphanet 902, MedGen C0043119, MONDO:0010196, OMIM 277700.

Submission:

Labcorp Genetics (formerly Invitae), Labcorp
Classification: Uncertain significance for Werner syndrome. Last evaluated: 2019-08-19. Review status: criteria provided, single submitter. Criteria: Invitae Variant Classification Sherloc (09022015). Collection method: clinical testing. Allele origin: germline.
Comment: In summary, the available evidence is currently insufficient to determine the role of this variant in disease. Therefore, it has been classified as a Variant of Uncertain Significance. Algorithms developed to predict the effect of missense changes on protein structure and function output the following: SIFT: "Tolerated"; PolyPhen-2: "Benign"; Align-GVGD: "Class C0". The isoleucine amino acid residue is found in multiple mammalian species, suggesting that this missense change does not adversely affect protein function. These predictions have not been confirmed by published functional studies and their clinical significance is uncertain. This variant has not been reported in the literature in individuals with WRN-related conditions. This variant is not present in population databases (ExAC no frequency). This sequence change replaces methionine with isoleucine at codon 1337 of the WRN protein (p.Met1337Ile). The methionine residue is weakly conserved and there is a small physicochemical difference between methionine and isoleucine.